The following is an entry in ClinVar:

NM_015047.3(EMC1):c.820C>T (p.Pro274Ser)

Genes: EMC1 (ER membrane protein complex subunit 1; minus strand), EMC1-AS1 (EMC1 antisense RNA 1; plus strand). Cytogenetic location: 1p36.13.
Variant type: single nucleotide variant.
Coding change: c.820C>T on transcript NM_015047.3 (MANE Select); coding-DNA position 820, C replaced by T.
Protein change: p.Pro274Ser; replaces proline 274 with serine.
Molecular consequence: missense variant.
Genome position (GRCh38, 1-based): chr1:19,239,952, G>A on the plus strand (C>T on the coding strand, the complement: EMC1 is on the minus strand). VCF-style: chr1-19239952-G-A. GRCh37 (hg19) VCF-style: chr1-19566446-G-A.
Other names: c.820C>T, p.Pro274Ser (NM_001271427.2, NM_001271428.2, NM_001375820.1 and 1 more transcripts); c.754C>T, p.Pro252Ser (NM_001271429.2); short protein forms P252S, P274S.
Identifiers: ClinVar variation 1805682 (VCV001805682.2), dbSNP rs772631363, ClinGen allele CA652778.
Genomic context (GRCh38, chr1:19,239,952, plus strand): 5'-GCAGGAAGAACTGGGCCCGGGAAGCGTCCACTGGGTTGGGCTGGGTAGGCAGGACCCGGG[G>A]TTGGAATCCACTTCCAAATTCTAAGTCGAGAGACTGGAAGGCAAGAAGGAGGAGGATTAT-3'
Protein context (NP_055862.1, residues 264-284): LDLEFGSGFQ[Pro274Ser]RVLPTQPNPV

ClinVar aggregate classification (germline): Uncertain significance. Review status: criteria provided, multiple submitters, no conflicts (2 of 4 stars). 2 submissions from 2 submitters: Uncertain significance (2). Last evaluated 2023-10-01.

Conditions:
Retinal dystrophy. Also called: Inherited retinal dystrophy. Identifiers: Orphanet 71862, MedGen C0854723, MeSH D058499, MONDO:0019118, HP:0000556.
Cerebellar atrophy, visual impairment, and psychomotor retardation;. Also called: Cerebellar atrophy, visual impairment, and psychomotor retardation. Identifiers: MedGen C4225172, MONDO:0014811, OMIM 616875.

Allele frequency attached by ClinVar (database versions not stated): ExAC 0.00001; gnomAD 0.00001; gnomAD exomes 0.00001.

Submissions (2):

Dept Of Ophthalmology, Nagoya University
Classification: Uncertain significance for Retinal dystrophy. Last evaluated: 2023-10-01. Review status: criteria provided, single submitter. Criteria: Submitter's publication. Collection method: research. Allele origin: germline. Affected: yes.

Victorian Clinical Genetics Services, Murdoch Childrens Research Institute
Classification: Uncertain significance for Cerebellar atrophy, visual impairment, and psychomotor retardation;. Last evaluated: 2019-08-28. Review status: criteria provided, single submitter. Criteria: ACMG Guidelines, 2015. Collection method: clinical testing. Allele origin: germline. Inheritance: Autosomal recessive inheritance. Affected: yes.
Comment: A heterozygous missense variant, NM_015047.2(EMC1):c.820C>T, has been identified in exon 8 of 23 of the EMC1 gene. The variant is predicted to result in a moderate amino acid change from a proline to a serine at position 274 of the protein, NP_055862.1(EMC1):p.(Pro274Ser). The proline residue at this position has low conservation (100 vertebrates, UCSC), but is not located within a well established functional domain. In silico predictions of pathogenicity for this variant are conflicting (Polyphen, SIFT, CADD, Mutation Taster). The variant is present in the gnomAD database at a frequency of 0.0025% (7 heterozygotes, 0 homozygotes). This variant has not been previously reported in clinical cases. Based on the information available at the time of curation, this variant has been classified as VARIANT of UNCERTAIN SIGNIFICANCE (VUS) with LOW CLINICAL RELEVANCE.